The following is an entry in ClinVar:

NM_032575.3(GLIS2):c.*1333C>G

Gene: GLIS2 (GLIS family zinc finger 2; plus strand). Cytogenetic location: 16p13.3.
Variant type: single nucleotide variant.
Coding change: c.*1333C>G on transcript NM_032575.3 (MANE Select); 1333 bases downstream of the stop codon, C replaced by G.
Molecular consequence: 3 prime UTR variant.
Genome position (GRCh38, 1-based): chr16:4,338,857, C>G. VCF-style: chr16-4338857-C-G. GRCh37 (hg19) VCF-style: chr16-4388858-C-G.
Other names: c.*1333C>G (NM_001318918.2).
Identifiers: ClinVar variation 319256 (VCV000319256.6), dbSNP rs11544635, ClinGen allele CA10648390.

ClinVar aggregate classification (germline): Benign. Review status: criteria provided, multiple submitters, no conflicts (2 of 4 stars). 2 submissions from 2 submitters: Benign (2). Last evaluated 2018-01-13.

Conditions:
Nephronophthisis 7 (NPHP7). Identifiers: Orphanet 655, MedGen C1969092, MONDO:0012680, OMIM 611498.

Allele frequency attached by ClinVar (database versions not stated): 1000 Genomes Project 30x 0.02748; 1000 Genomes Project 0.02556; gnomAD 0.03314; TOPMed 0.03457; gnomAD exomes 0.02020.
gnomAD v4.1: 5,246 of 152,542 alleles (3.4%); highest among the groups gnomAD compares: Middle Eastern, 5.7%; 100 homozygotes.

Submissions (2):

Illumina Laboratory Services, Illumina
Classification: Benign for Nephronophthisis 7. Last evaluated: 2018-01-13. Review status: criteria provided, single submitter. Criteria: ICSL Variant Classification Criteria 13 December 2019. Collection method: clinical testing. Allele origin: germline.
Comment: This variant was observed in the ICSL laboratory as part of a predisposition screen in an ostensibly healthy population. It had not been previously curated by ICSL or reported in the Human Gene Mutation Database (HGMD: prior to June 1st, 2018), and was therefore a candidate for classification through an automated scoring system. Utilizing variant allele frequency, disease prevalence and penetrance estimates, and inheritance mode, an automated score was calculated to assess if this variant is too frequent to cause the disease. Based on the score and internal cut-off values, a variant classified as benign is not then subjected to further curation. The score for this variant resulted in a classification of benign for this disease.

Breakthrough Genomics
Classification: Benign. Review status: criteria provided, single submitter. Criteria: ACMG Guidelines, 2015. Collection method: not provided. Allele origin: germline. Inheritance: Unknown mechanism. Affected: yes.